The following is an entry in ClinVar:

ClinVar aggregate classification (germline): Uncertain significance (1 of 4 stars; one submission).

Conditions:
Progressive myoclonic epilepsy type 5. Identifiers: Orphanet 402082, MedGen C5190799.

Submission:

Labcorp Genetics (formerly Invitae), Labcorp
Classification: Uncertain significance for Progressive myoclonic epilepsy type 5. Last evaluated: 2023-07-25. Review status: criteria provided, single submitter. Criteria: Invitae Variant Classification Sherloc (09022015). Collection method: clinical testing. Allele origin: germline.
Comment: In summary, the available evidence is currently insufficient to determine the role of this variant in disease. Therefore, it has been classified as a Variant of Uncertain Significance. Advanced modeling of protein sequence and biophysical properties (such as structural, functional, and spatial information, amino acid conservation, physicochemical variation, residue mobility, and thermodynamic stability) performed at Invitae indicates that this missense variant is not expected to disrupt PRICKLE2 protein function. This variant has not been reported in the literature in individuals affected with PRICKLE2-related conditions. This variant is not present in population databases (gnomAD no frequency). This sequence change replaces arginine, which is basic and polar, with histidine, which is basic and polar, at codon 692 of the PRICKLE2 protein (p.Arg692His).

NM_198859.4(PRICKLE2):c.2075G>A (p.Arg692His)

Genes: PRICKLE2 (prickle planar cell polarity protein 2; minus strand), PRICKLE2-AS1 (PRICKLE2 antisense RNA 1; plus strand). Cytogenetic location: 3p14.1.
Variant type: single nucleotide variant.
Coding change: c.2075G>A on transcript NM_198859.4 (MANE Select); coding-DNA position 2075, G replaced by A.
Protein change: p.Arg692His; replaces arginine 692 with histidine.
Molecular consequence: missense variant. On other transcripts: non-coding transcript variant (1).
Genome position (GRCh38, 1-based): chr3:64,099,511, C>T on the plus strand (G>A on the coding strand, the complement: PRICKLE2 is on the minus strand). VCF-style: chr3-64099511-C-T. GRCh37 (hg19) VCF-style: chr3-64085187-C-T.
Other names: c.2075G>A, p.Arg692His (NM_001370528.1); short protein forms R692H.
Identifiers: ClinVar variation 2746591 (VCV002746591.3), dbSNP rs2471101296, ClinGen allele CA353426841.